The following is an entry in ClinVar:

NM_000051.4(ATM):c.3868A>T (p.Ile1290Phe)

Gene: ATM (ATM serine/threonine kinase; plus strand). Cytogenetic location: 11q22.3.
Variant type: single nucleotide variant.
Coding change: c.3868A>T on transcript NM_000051.4 (MANE Select); coding-DNA position 3868, A replaced by T.
Protein change: p.Ile1290Phe; replaces isoleucine 1290 with phenylalanine.
Molecular consequence: missense variant.
Genome position (GRCh38, 1-based): chr11:108,284,348, A>T. VCF-style: chr11-108284348-A-T. GRCh37 (hg19) VCF-style: chr11-108155075-A-T.
Other names: c.3868A>T (NM_000051.3); c.3868A>T, p.Ile1290Phe (NM_001351834.2); short protein forms I1290F.
Identifiers: ClinVar variation 1496193 (VCV001496193.9), dbSNP rs2082381917, ClinGen allele CA382525354.

ClinVar aggregate classification (germline): Uncertain significance. Review status: criteria provided, multiple submitters, no conflicts (2 of 4 stars). 2 submissions from 2 submitters: Uncertain significance (2). Last evaluated 2024-07-27.

Conditions:
Hereditary cancer-predisposing syndrome. Also called: Tumor predisposition; Hereditary neoplastic syndrome; Neoplastic Syndromes, Hereditary; Hereditary Cancer Syndrome. Identifiers: Orphanet 140162, MedGen C0027672, MeSH D009386, MONDO:0015356.
Ataxia-telangiectasia syndrome (AT). Also called: Cerebello-oculocutaneous telangiectasia; Immunodeficiency with ataxia telangiectasia; AT, COMPLEMENTATION GROUP C; ATAXIA-TELANGIECTASIA, COMPLEMENTATION GROUP A; ATAXIA-TELANGIECTASIA, FRESNO VARIANT; LOUIS-BAR SYNDROME. Identifiers: Orphanet 100, MedGen C0004135, MONDO:0008840, OMIM 208900.

Submissions (2):

Ambry Genetics
Classification: Uncertain significance for Hereditary cancer-predisposing syndrome. Last evaluated: 2024-07-27. Review status: criteria provided, single submitter. Criteria: Ambry Variant Classification Scheme 2023. Collection method: clinical testing. Allele origin: germline.
Comment: The p.I1290F variant (also known as c.3868A>T), located in coding exon 25 of the ATM gene, results from an A to T substitution at nucleotide position 3868. The isoleucine at codon 1290 is replaced by phenylalanine, an amino acid with highly similar properties. This amino acid position is conserved. In addition, the in silico prediction for this alteration is inconclusive. Based on the available evidence, the clinical significance of this variant remains unclear.

Labcorp Genetics (formerly Invitae), Labcorp
Classification: Uncertain significance for Ataxia-telangiectasia syndrome. Last evaluated: 2021-08-12. Review status: criteria provided, single submitter. Criteria: Invitae Variant Classification Sherloc (09022015). Collection method: clinical testing. Allele origin: germline.
Comment: This variant is not present in population databases (ExAC no frequency). In summary, the available evidence is currently insufficient to determine the role of this variant in disease. Therefore, it has been classified as a Variant of Uncertain Significance. Advanced modeling of protein sequence and biophysical properties (such as structural, functional, and spatial information, amino acid conservation, physicochemical variation, residue mobility, and thermodynamic stability) performed at Invitae indicates that this missense variant is not expected to disrupt ATM protein function. This variant has not been reported in the literature in individuals with ATM-related conditions. This sequence change replaces isoleucine with phenylalanine at codon 1290 of the ATM protein (p.Ile1290Phe). The isoleucine residue is highly conserved and there is a small physicochemical difference between isoleucine and phenylalanine.